The following is an entry in ClinVar:

NM_002880.4(RAF1):c.321-4delinsTG

Gene: RAF1 (Raf-1 proto-oncogene, serine/threonine kinase; minus strand). Cytogenetic location: 3p25.2.
Variant type: Indel.
Coding change: c.321-4delinsTG on transcript NM_002880.4 (MANE Select); 4 bases into the intron before coding-DNA position 321, C replaced by TG.
Molecular consequence: intron variant.
Genome position (GRCh38, 1-based): chr3:12,609,339, G replaced by CA on the plus strand (C replaced by TG on the coding strand, the reverse complement: RAF1 is on the minus strand). VCF-style: chr3-12609339-G-CA. GRCh37 (hg19) VCF-style: chr3-12650838-G-CA.
Other names: c.321-4delCinsTG (NM_002880.3); c.78-4delinsTG (NM_001354695.3, NM_001354692.3, NM_001354694.3 and 1 more transcripts); c.321-4delinsTG (NM_001354693.3, NM_001354689.3, NM_001354690.3).
Identifiers: ClinVar variation 1050833 (VCV001050833.3), dbSNP rs1559434366, ClinGen allele CA2499216446.

ClinVar aggregate classification (germline): Conflicting classifications of pathogenicity. Review status: criteria provided, conflicting classifications (1 of 4 stars). 3 submissions from 3 submitters: Uncertain significance (2); Likely benign (1). Last evaluated 2025-07-24.

Conditions:
Cardiovascular phenotype. Identifiers: MedGen CN230736.

Submissions (3):

Molecular Diagnostic Laboratory for Inherited Cardiovascular Disease, Montreal Heart Institute
Classification: Likely benign. Last evaluated: 2025-07-24. Review status: criteria provided, single submitter. Criteria: ACMG Guidelines, 2015. Collection method: clinical testing. Allele origin: germline. Affected: no.

Ambry Genetics
Classification: Uncertain significance for Cardiovascular phenotype. Last evaluated: 2025-06-10. Review status: criteria provided, single submitter. Criteria: Ambry Variant Classification Scheme 2023. Collection method: clinical testing. Allele origin: germline.
Comment: The c.321-4delCinsTG intronic variant is located 4 nucleotides before coding exon 3 of the RAF1 gene. This variant results from a deletion of one nucleotide and insertion of two nucleotides at position c.321-4. This nucleotide position is poorly conserved in available vertebrate species. In silico splice site analysis predicts that this alteration will not have any significant effect on splicing. Based on the available evidence, the clinical significance of this variant remains unclear.

Women's Health and Genetics/Laboratory Corporation of America, LabCorp
Classification: Uncertain significance. Last evaluated: 2021-03-25. Review status: criteria provided, single submitter. Criteria: LabCorp Variant Classification Summary - May 2015. Collection method: clinical testing. Allele origin: germline.
Comment: Variant summary: RAF1 c.321-4delinsTG alters a non-conserved nucleotide located close to a canonical splice site and therefore could affect mRNA splicing, leading to a significantly altered protein sequence. 4/4 computational tools predict no significant impact on normal splicing. However, these predictions have yet to be confirmed by functional studies. The variant allele was found at a frequency of 1.2e-05 in 251088 control chromosomes. The available data on variant occurrences in the general population are insufficient to allow any conclusion about variant significance. To our knowledge, no occurrence of c.321-4delinsTG in individuals affected with Noonan Syndrome and no experimental evidence demonstrating its impact on protein function have been reported. No clinical diagnostic laboratories have submitted clinical-significance assessments for this variant to ClinVar after 2014. Based on the evidence outlined above, the variant was classified as uncertain significance.